The following is an entry in ClinVar:

NM_007294.4(BRCA1):c.3749A>C (p.Glu1250Ala)

Genes: BRCA1 (BRCA1 DNA repair associated; minus strand), LOC126862571 (BRD4-independent group 4 enhancer GRCh37_chr17:41243136-41244335; plus strand). Cytogenetic location: 17q21.31.
Variant type: single nucleotide variant.
Coding change: c.3749A>C on transcript NM_007294.4 (MANE Select); coding-DNA position 3749, A replaced by C.
Protein change: p.Glu1250Ala; replaces glutamic acid 1250 with alanine.
Molecular consequence: missense variant. On other transcripts: intron variant (135).
Genome position (GRCh38, 1-based): chr17:43,091,782, T>G on the plus strand (A>C on the coding strand, the complement: BRCA1 is on the minus strand). VCF-style: chr17-43091782-T-G. GRCh37 (hg19) VCF-style: chr17-41243799-T-G.
Other names: c.3608A>C, p.Glu1203Ala (NM_001407945.1, NM_001407850.1, NM_001407851.1 and 29 more transcripts); c.3416A>C, p.Glu1139Ala (NM_001407946.1, NM_001407947.1, NM_001407948.1 and 6 more transcripts); c.3413A>C, p.Glu1138Ala (NM_001407954.1, NM_001407955.1, NM_001407956.1 and 1 more transcripts); c.3368A>C, p.Glu1123Ala (NM_001407959.1, NM_001407960.1, NM_001407963.1); c.3365A>C, p.Glu1122Ala (NM_001407962.1); c.3605A>C, p.Glu1202Ala (NM_001407843.1, NM_001407844.1, NM_001407845.1 and 20 more transcripts); c.3536A>C, p.Glu1179Ala (NM_001407853.1, NM_001407894.1, NM_001407895.1 and 9 more transcripts); c.3749A>C, p.Glu1250Ala (NM_001407854.1, NM_001407858.1, NM_001407859.1 and 30 more transcripts); and 41 more; short protein forms E1082A, E1122A, E1123A, E1161A, E1162A, E1203A, E1224A, E1139A.
Identifiers: ClinVar variation 4842652 (VCV004842652.1).
Genomic context (GRCh38, chr17:43,091,782, plus strand): 5'-CAGTCATTTAAGCTATTCTTCAATGATAATAAATTCTCCTCTGTGTTCTTAGACAGACAC[T>G]CGGTAGCAACGGTGCTATGCCTAGTAGACTGAGAAGGTATATTGTTTACTTTACCAAATA-3'
Protein context (NP_009225.1, residues 1240-1260): QSTRHSTVAT[Glu1250Ala]CLSKNTEENL

ClinVar aggregate classification (germline): Uncertain significance (1 of 4 stars; one submission).

Conditions:
Hereditary cancer-predisposing syndrome. Also called: Neoplastic Syndromes, Hereditary; Tumor predisposition; Hereditary Cancer Syndrome; Hereditary neoplastic syndrome. Identifiers: Orphanet 140162, MedGen C0027672, MeSH D009386, MONDO:0015356.

Submission:

Ambry Genetics
Classification: Uncertain significance for Hereditary cancer-predisposing syndrome. Last evaluated: 2025-12-17. Review status: criteria provided, single submitter. Criteria: Ambry Variant Classification Scheme 2023. Collection method: clinical testing. Allele origin: germline.
Comment: The p.E1250A variant (also known as c.3749A>C), located in coding exon 9 of the BRCA1 gene, results from an A to C substitution at nucleotide position 3749. The glutamic acid at codon 1250 is replaced by alanine, an amino acid with dissimilar properties. This amino acid position is conserved. In addition, this alteration is predicted to be tolerated by in silico analysis. Based on the available evidence, the clinical significance of this variant remains unclear.